The following is an entry in ClinVar:

NM_000466.3(PEX1):c.1108del (p.Ile370fs)

Gene: PEX1 (peroxisomal biogenesis factor 1; minus strand). Cytogenetic location: 7q21.2.
Variant type: Deletion.
Coding change: c.1108del on transcript NM_000466.3 (MANE Select); coding-DNA position 1108, one base deleted (A; older notation c.1108delA).
Protein change: p.Ile370fs; shifts the reading frame from isoleucine 370.
Molecular consequence: frameshift variant.
Genome position (GRCh38, 1-based): chr7:92,517,407, T deleted on the plus strand (A on the coding strand, the reverse complement: PEX1 is on the minus strand); the first of 9 consecutive T bases (chr7:92,517,407-92,517,415); deleting any one gives the same sequence. VCF-style (leftmost placement, unchanged base first): chr7-92517406-AT-A. GRCh37 (hg19) VCF-style: chr7-92146720-AT-A.
Other names: c.1108del, p.Ile370fs (NM_001282677.2); c.484del, p.Ile162fs (NM_001282678.2); c.1108del (NM_000466.2); short protein forms I370fs, I162fs.
Identifiers: ClinVar variation 371779 (VCV000371779.24), dbSNP rs61750406, ClinGen allele CA4341490.
Genomic context (GRCh38, chr7:92,517,406, plus strand): 5'-CCATTCCAGACTACTTGTAGCACACAGGCCTTCTCATCTTCTTCATTATGATCTGACCTA[AT>A]TTTTTTTTGATCTAGTGGCTCTGACATCTGCTTCTCTTTTTCAGGTGATAACACATTTTG-3'

ClinVar aggregate classification (germline): Pathogenic/Likely pathogenic. Review status: criteria provided, multiple submitters, no conflicts (2 of 4 stars). 9 submissions from 8 submitters: Pathogenic (4); Likely pathogenic (3). 2 of the submissions do not count toward it. Last evaluated 2025-06-18.

Conditions:
PEX1-related disorder. Also called: PEX1-related condition.
Zellweger spectrum disorders (ZS). Also called: Zellweger Spectrum Disorder; Zellweger Spectrum; Zellweger Spectrum Disorder (ZSD); Zellweger syndrome. Identifiers: Orphanet 912, MedGen C0043459, MONDO:0019609.
Peroxisome biogenesis disorder 1B (PBD1B). Also called: Refsum disease, infantile form; Infantile Refsum disease; Infantile form of phytanic acid storage disease; PEROXISOME BIOGENESIS DISORDER (NEONATAL ADRENOLEUKODYSTROPHY/INFANTILE REFSUM DISEASE); INFANTILE PHYTANIC ACID STORAGE DISEASE; PEROXISOME BIOGENESIS DISORDER (NALD/IRD). Identifiers: Orphanet 44, MedGen C0282527, MONDO:0011101, OMIM 601539.
Heimler syndrome 1 (HMLR1). Also called: PEROXISOME BIOGENESIS DISORDER 1C. Identifiers: Orphanet 3220, MedGen C4551980, OMIM 234580, MONDO:0024544.
Peroxisome biogenesis disorder 1A (Zellweger) (PBD1A). Also called: Zellweger leukodystrophy; Peroxisome biogenesis disorder 1a. Identifiers: MedGen C4721541, MONDO:0008953, OMIM 214100.

Submissions (9):

PreventionGenetics, part of Exact Sciences
Classification: Pathogenic for PEX1-related condition. Last evaluated: 2025-06-18. Review status: criteria provided, single submitter. Criteria: ACMG Guidelines, 2015. Collection method: clinical testing. Allele origin: germline.
Comment: The PEX1 c.1108delA variant is predicted to result in a frameshift and premature protein termination (p.Ile370Leufs*17). This variant has been reported in the homozygous state in an individual with Zellweger spectrum disorder (Sivaraman et al. 2019. DOI 10.32677/IJCH.2019.v06.i03.002). In addition, another change at this position, c.1108dupA (p.Ile370Asnfs*2), has been reported in the compound heterozygous state in an individual with Zellweger spectrum disorder (Maxwell et al. 2005. PubMed ID: 16088892). The c.1108delA variant is reported in 0.0058% of alleles in individuals of Latino descent in gnomAD. Frameshift variants in PEX1 are expected to be pathogenic. This variant is interpreted as pathogenic.

Baylor Genetics
Classification: Likely pathogenic for Heimler syndrome 1. Last evaluated: 2024-03-18. Review status: criteria provided, single submitter. Criteria: ACMG Guidelines, 2015. Collection method: clinical testing. Allele origin: unknown.

Revvity Omics, Revvity
Classification: Likely pathogenic. Last evaluated: 2023-11-15. Review status: criteria provided, single submitter. Criteria: ACMG Guidelines, 2015. Collection method: clinical testing. Allele origin: germline.

Labcorp Genetics (formerly Invitae), Labcorp
Classification: Pathogenic for Zellweger spectrum disorders. Last evaluated: 2023-10-17. Review status: criteria provided, single submitter. Criteria: Invitae Variant Classification Sherloc (09022015). Collection method: clinical testing. Allele origin: germline.
Comment: This sequence change creates a premature translational stop signal (p.Ile370Leufs*17) in the PEX1 gene. It is expected to result in an absent or disrupted protein product. Loss-of-function variants in PEX1 are known to be pathogenic (PMID: 21031596, 26387595, 31831025). The frequency data for this variant in the population databases is considered unreliable, as metrics indicate poor data quality at this position in the gnomAD database. This variant has not been reported in the literature in individuals affected with PEX1-related conditions. ClinVar contains an entry for this variant (Variation ID: 371779). For these reasons, this variant has been classified as Pathogenic.

Intergen Genetics and Rare Diseases Diagnosis Center
Classification: Pathogenic for Peroxisome biogenesis disorder 1A (Zellweger). Last evaluated: 2023-09-05. Review status: criteria provided, single submitter. Criteria: ACMG Guidelines, 2015. Collection method: clinical testing. Allele origin: unknown. Inheritance: Autosomal recessive inheritance. Affected: no. Observed: 1 heterozygote.

ARUP Laboratories, Molecular Genetics and Genomics, ARUP Laboratories
Classification: Likely pathogenic. Last evaluated: 2020-04-03. Review status: criteria provided, single submitter. Criteria: ARUP Molecular Germline Variant Investigation Process. Collection method: clinical testing. Allele origin: germline.

Juno Genomics, Hangzhou Juno Genomics, Inc
Classification: Pathogenic for Heimler syndrome 1; Peroxisome biogenesis disorder 1A (Zellweger); Peroxisome biogenesis disorder 1B. Review status: criteria provided, single submitter. Criteria: ACMG Guidelines, 2015. Collection method: clinical testing. Allele origin: germline.
Comment: Absent from controls (or at extremely low frequency if recessive) in Genome Aggregation Database.;Null variant in a gene where loss of function (LOF) is a known mechanism of disease.;For recessive disorders, detected in trans with a pathogenic variant.;Patient's phenotype or family history is highly specific for a disease with a single genetic etiology.

Counsyl
Classification: Likely pathogenic for Peroxisome biogenesis disorder 1A (Zellweger). Last evaluated: 2016-10-07. Review status: no assertion criteria provided. Collection method: clinical testing. Allele origin: unknown. Not counted in ClinVar's aggregate classification.

Counsyl
Classification: Likely pathogenic for Peroxisome biogenesis disorder 1B. Last evaluated: 2016-10-07. Review status: no assertion criteria provided. Collection method: clinical testing. Allele origin: unknown. Not counted in ClinVar's aggregate classification.

Literature cited by the submitters: PubMed 21031596 (cited by Labcorp Genetics (formerly Invitae), Labcorp); PubMed 26387595 (cited by Labcorp Genetics (formerly Invitae), Labcorp); PubMed 31831025 (cited by Labcorp Genetics (formerly Invitae), Labcorp).